The following is an entry in ClinVar:

NM_001374736.1(DST):c.14947A>C (p.Met4983Leu)

Gene: DST (dystonin; minus strand). Cytogenetic location: 6p12.1.
Variant type: single nucleotide variant.
Coding change: c.14947A>C on transcript NM_001374736.1 (MANE Select); coding-DNA position 14947, A replaced by C.
Protein change: p.Met4983Leu; replaces methionine 4983 with leucine.
Molecular consequence: missense variant.
Genome position (GRCh38, 1-based): chr6:56,555,534, T>G on the plus strand (A>C on the coding strand, the complement: DST is on the minus strand). VCF-style: chr6-56555534-T-G. GRCh37 (hg19) VCF-style: chr6-56420332-T-G.
Other names: c.8590A>C, p.Met2864Leu (NM_001144769.5); c.8176A>C, p.Met2726Leu (NM_001144770.2); c.14947A>C, p.Met4983Leu (NM_001374722.1); c.14314A>C, p.Met4772Leu (NM_001374729.1); c.8056A>C, p.Met2686Leu (NM_001374730.1, NM_183380.4); c.14974A>C, p.Met4992Leu (NM_001374734.1); c.7078A>C, p.Met2360Leu (NM_015548.5); short protein forms M2360L, M2686L, M2864L, M4992L, M4983L, M4772L, M2726L.
Identifiers: ClinVar variation 972439 (VCV000972439.11), dbSNP rs188156383, ClinGen allele CA3867898.

ClinVar aggregate classification (germline): Uncertain significance. Review status: criteria provided, multiple submitters, no conflicts (2 of 4 stars). 4 submissions from 4 submitters: Uncertain significance (4). Last evaluated 2026-06-18.

Conditions:
DST-related disorder. Also called: DST-related condition; DST-related disorders.
Inborn genetic diseases. Identifiers: MedGen C0950123, MeSH D030342.
Epidermolysis bullosa simplex 3, localized or generalized intermediate, with BP230 deficiency (EBS3). Also called: Epidermolysis bullosa simplex, autosomal recessive 2; Epidermolysis bullosa simplex due to BP230 deficiency. Identifiers: Orphanet 412181, MedGen C3809470, MONDO:0014180, OMIM 615425.
Hereditary sensory and autonomic neuropathy type 6. Also called: HSAN VI; Neuropathy, hereditary sensory and autonomic, type VI. Identifiers: Orphanet 314381, MedGen C3539003, MONDO:0013839, OMIM 614653.

Allele frequency attached by ClinVar (database versions not stated): TOPMed 0.00015; ESP Exome Variant Server 0.00017.
gnomAD v4.1: 197 of 1,613,918 alleles (0.012%); highest among the groups gnomAD compares: Non-Finnish European, 0.016%; no homozygotes.

Submissions (4):

PreventionGenetics, part of Exact Sciences
Classification: Uncertain significance for DST-related condition. Last evaluated: 2026-06-18. Review status: criteria provided, single submitter. Criteria: ACMG Guidelines, 2015. Collection method: clinical testing. Allele origin: germline.
Comment: The DST c.8590A>C variant is predicted to result in the amino acid substitution p.Met2864Leu. To our knowledge, this variant has not been reported in the literature. This variant is reported in 0.015% of alleles in individuals of European (non-Finnish) descent in gnomAD. At this time, the clinical significance of this variant is uncertain due to the absence of conclusive functional and genetic evidence.

Labcorp Genetics (formerly Invitae), Labcorp
Classification: Uncertain significance for Epidermolysis bullosa simplex 3, localized or generalized intermediate, with BP230 deficiency; Hereditary sensory and autonomic neuropathy type 6. Last evaluated: 2022-08-31. Review status: criteria provided, single submitter. Criteria: Invitae Variant Classification Sherloc (09022015). Collection method: clinical testing. Allele origin: germline.
Comment: The DST gene has multiple clinically relevant transcripts. This variant occurs in alternate transcript NM_015548.4, and corresponds to NM_001723.5:c.*59983A>C in the primary transcript. This sequence change replaces methionine, which is neutral and non-polar, with leucine, which is neutral and non-polar, at codon 2360 of the DST protein (p.Met2360Leu). This variant is present in population databases (rs188156383, gnomAD 0.02%). This variant has not been reported in the literature in individuals affected with DST-related conditions. Experimental studies and prediction algorithms are not available or were not evaluated, and the functional significance of this variant is currently unknown. In summary, the available evidence is currently insufficient to determine the role of this variant in disease. Therefore, it has been classified as a Variant of Uncertain Significance.

Ambry Genetics
Classification: Uncertain significance for Inborn genetic diseases. Last evaluated: 2021-05-03. Review status: criteria provided, single submitter. Criteria: Ambry Variant Classification Scheme 2023. Collection method: clinical testing. Allele origin: germline.
Comment: The p.M2864L variant (also known as c.8590A>C), located in coding exon 54 of the DST gene, results from an A to C substitution at nucleotide position 8590. The methionine at codon 2864 is replaced by leucine, an amino acid with highly similar properties. This amino acid position is not well conserved in available vertebrate species. In addition, this alteration is predicted to be tolerated by in silico analysis. Since supporting evidence is limited at this time, the clinical significance of this alteration remains unclear.

Breakthrough Genomics
Classification: Uncertain significance. Review status: criteria provided, single submitter. Criteria: ACMG Guidelines, 2015. Collection method: not provided. Allele origin: germline. Inheritance: Autosomal recessive inheritance. Affected: yes.